The following is an entry in ClinVar:

ClinVar aggregate classification (germline): Likely pathogenic (0 of 4 stars; one submission).

Conditions:
BCS1L-related disorder. Also called: BCS1L-related disorders; BCS1L-related condition. Identifiers: MedGen CN239240.

Submission:

PreventionGenetics, part of Exact Sciences
Classification: Likely pathogenic for BCS1L-related condition. Last evaluated: 2024-03-24. Review status: no assertion criteria provided. Collection method: clinical testing. Allele origin: germline.
Comment: The BCS1L c.1183C>T variant is predicted to result in premature protein termination (p.Gln395*). To our knowledge, this variant has not been reported in the literature or in a large population database, indicating this variant is rare. This variant is located in the last exon of BCS1L, and therefore may or may not undergo nonsense-mediated decay. However, several additional protein-truncating variants were described in this exon in association with disease (see, for example, Hikmat et al. 2021. PubMed ID: 34662929; Yanagishita et al. 2014. PubMed ID: 24236502). Taken together, we classify this variant as likely pathogenic.

NM_001079866.2(BCS1L):c.1183C>T (p.Gln395Ter)

Gene: BCS1L (BCS1 ubiquinol-cytochrome c reductase complex chaperone; plus strand). Cytogenetic location: 2q35.
Variant type: single nucleotide variant.
Coding change: c.1183C>T on transcript NM_001079866.2 (MANE Select); coding-DNA position 1183, C replaced by T.
Protein change: p.Gln395Ter; replaces glutamine 395 with a stop codon.
Molecular consequence: nonsense. On other transcripts: non-coding transcript variant (1).
Genome position (GRCh38, 1-based): chr2:218,663,309, C>T. VCF-style: chr2-218663309-C-T. GRCh37 (hg19) VCF-style: chr2-219528032-C-T.
Other names: c.1183C>T, p.Gln395Ter (NM_001374085.1, NM_004328.5, NM_001257342.2 and 10 more transcripts); c.682C>T, p.Gln228Ter (NM_001374086.1, NM_001371452.1, NM_001371453.1 and 3 more transcripts); c.823C>T, p.Gln275Ter (NM_001318836.2, NM_001371451.1); short protein forms Q228*, Q275*, Q395*.
Identifiers: ClinVar variation 3350116 (VCV003350116.1).